The following is an entry in ClinVar:

ClinVar aggregate classification (germline): Likely benign. Review status: criteria provided, multiple submitters, no conflicts (2 of 4 stars). 3 submissions from 3 submitters: Likely benign (3). Last evaluated 2026-02-13.

Conditions:
RFX6-related disorder. Also called: RFX6-related condition.

Allele frequency attached by ClinVar (database versions not stated): gnomAD exomes 0.00004 and 0.00008; TOPMed 0.00005; gnomAD 0.00006; ExAC 0.00007; ESP Exome Variant Server 0.00016.
gnomAD v4.1: 114 of 1,547,044 alleles (0.0074%); highest among the groups gnomAD compares: Non-Finnish European, 0.0095%; no homozygotes.

Submissions (3):

PreventionGenetics, part of Exact Sciences
Classification: Likely benign for RFX6-related condition. Last evaluated: 2026-02-13. Review status: criteria provided, single submitter. Criteria: ACMG Guidelines, 2015. Collection method: clinical testing. Allele origin: germline.
Comment: This variant is classified as likely benign based on ACMG/AMP sequence variant interpretation guidelines (Richards et al. 2015 PMID: 25741868, with internal and published modifications).

Blueprint Genetics
Classification: Likely benign. Last evaluated: 2024-10-31. Review status: criteria provided, single submitter. Criteria: ACMG Guidelines, 2015. Collection method: clinical testing. Allele origin: germline.

Labcorp Genetics (formerly Invitae), Labcorp
Classification: Likely benign. Last evaluated: 2024-01-13. Review status: criteria provided, single submitter. Criteria: Invitae Variant Classification Sherloc (09022015). Collection method: clinical testing. Allele origin: germline.

NM_173560.4(RFX6):c.223+8C>G

Genes: RFX6 (regulatory factor X6; plus strand), LOC127407129 (RFX6 promoter region; plus strand). Cytogenetic location: 6q22.1.
Variant type: single nucleotide variant.
Coding change: c.223+8C>G on transcript NM_173560.4 (MANE Select); 8 bases into the intron after coding-DNA position 223, C replaced by G.
Molecular consequence: intron variant.
Genome position (GRCh38, 1-based): chr6:116,877,506, C>G. VCF-style: chr6-116877506-C-G. GRCh37 (hg19) VCF-style: chr6-117198669-C-G.
Other names: c.223+8C>G (NM_173560.3).
Identifiers: ClinVar variation 1603585 (VCV001603585.10), dbSNP rs371914374, ClinGen allele CA3972962.